The following is an entry in ClinVar:

ClinVar aggregate classification (germline): Uncertain significance (1 of 4 stars; one submission).

Conditions:
Neuropathy, hereditary motor and sensory, type 6B (HMSN6B). Also called: HMSN VIB; CHARCOT-MARIE-TOOTH DISEASE, TYPE 6B; Neuropathy, hereditary motor and sensory, type VIB; NEUROPATHY, HEREDITARY MOTOR AND SENSORY, TYPE VIB, WITH OPTIC ATROPHY. Identifiers: MedGen C4225302, MONDO:0014671, OMIM 616505.

Allele frequency attached by ClinVar (database versions not stated): gnomAD exomes below 0.00001.
gnomAD v4.1: 1 of 1,613,696 alleles (0.000062%); highest among the groups gnomAD compares: Non-Finnish European, 0.000085%; no homozygotes.

Submission:

Labcorp Genetics (formerly Invitae), Labcorp
Classification: Uncertain significance for Neuropathy, hereditary motor and sensory, type 6B. Last evaluated: 2021-11-19. Review status: criteria provided, single submitter. Criteria: Invitae Variant Classification Sherloc (09022015). Collection method: clinical testing. Allele origin: germline.
Comment: This sequence change replaces aspartic acid, which is acidic and polar, with asparagine, which is neutral and polar, at codon 311 of the SLC25A46 protein (p.Asp311Asn). This variant is not present in population databases (gnomAD no frequency). This variant has not been reported in the literature in individuals affected with SLC25A46-related conditions. Algorithms developed to predict the effect of missense changes on protein structure and function (SIFT, PolyPhen-2, Align-GVGD) all suggest that this variant is likely to be tolerated. In summary, the available evidence is currently insufficient to determine the role of this variant in disease. Therefore, it has been classified as a Variant of Uncertain Significance.

NM_138773.4(SLC25A46):c.931G>A (p.Asp311Asn)

Gene: SLC25A46 (solute carrier family 25 member 46; plus strand). Cytogenetic location: 5q22.1.
Variant type: single nucleotide variant.
Coding change: c.931G>A on transcript NM_138773.4 (MANE Select); coding-DNA position 931, G replaced by A.
Protein change: p.Asp311Asn; replaces aspartic acid 311 with asparagine.
Molecular consequence: missense variant. On other transcripts: non-coding transcript variant (1).
Genome position (GRCh38, 1-based): chr5:110,761,456, G>A. VCF-style: chr5-110761456-G-A. GRCh37 (hg19) VCF-style: chr5-110097156-G-A.
Other names: c.688G>A, p.Asp230Asn (NM_001303249.3); c.658G>A, p.Asp220Asn (NM_001303250.3); short protein forms D311N, D220N, D230N.
Identifiers: ClinVar variation 1368508 (VCV001368508.6), dbSNP rs894545180, ClinGen allele CA125344935.